The following is an entry in ClinVar:

NM_175914.5(HNF4A):c.583-7C>T

Gene: HNF4A (hepatocyte nuclear factor 4 alpha; plus strand). Cytogenetic location: 20q13.12.
Variant type: single nucleotide variant.
Coding change: c.583-7C>T on transcript NM_175914.5 (MANE Select); 7 bases into the intron before coding-DNA position 583, C replaced by T.
Molecular consequence: intron variant.
Genome position (GRCh38, 1-based): chr20:44,418,418, C>T. VCF-style: chr20-44418418-C-T. GRCh37 (hg19) VCF-style: chr20-43047058-C-T.
Other names: c.583-7C>T (NM_175914.4, NM_001030003.3, NM_001030004.3); c.574-7C>T (NM_001287182.2, NM_001287183.2, NM_001287184.2); c.628-7C>T (NM_001258355.2); c.649-7C>T (NM_178849.3, NM_000457.6, NM_178850.3).
Identifiers: ClinVar variation 3717739 (VCV003717739.3).

ClinVar aggregate classification (germline): Likely benign. Review status: criteria provided, multiple submitters, no conflicts (2 of 4 stars). 2 submissions from 2 submitters: Likely benign (2). Last evaluated 2026-08-13.

Conditions:
HNF4A-related disorder. Also called: HNF4A-related condition.

gnomAD v4.1: 1 of 1,613,152 alleles (0.000062%); highest among the groups gnomAD compares: Non-Finnish European, 0.000085%; no homozygotes.

Submissions (2):

PreventionGenetics, part of Exact Sciences
Classification: Likely benign for HNF4A-related condition. Last evaluated: 2026-08-13. Review status: criteria provided, single submitter. Criteria: ACMG Guidelines, 2015. Collection method: clinical testing. Allele origin: germline.
Comment: This variant is classified as likely benign based on ACMG/AMP sequence variant interpretation guidelines (Richards et al. 2015 PMID: 25741868, with internal and published modifications).

Labcorp Genetics (formerly Invitae), Labcorp
Classification: Likely benign. Last evaluated: 2024-12-02. Review status: criteria provided, single submitter. Criteria: Invitae Variant Classification Sherloc (09022015). Collection method: clinical testing. Allele origin: germline.